The following is an entry in ClinVar:

NM_001394998.1(TANC2):c.1592A>C (p.Tyr531Ser)

Gene: TANC2 (tetratricopeptide repeat, ankyrin repeat and coiled-coil containing 2; plus strand). Cytogenetic location: 17q23.3.
Variant type: single nucleotide variant.
Coding change: c.1592A>C on transcript NM_001394998.1 (MANE Select); coding-DNA position 1592, A replaced by C.
Protein change: p.Tyr531Ser; replaces tyrosine 531 with serine.
Molecular consequence: missense variant.
Genome position (GRCh38, 1-based): chr17:63,340,117, A>C. VCF-style: chr17-63340117-A-C. GRCh37 (hg19) VCF-style: chr17-61417478-A-C.
Other names: c.1370A>C, p.Tyr457Ser (NM_001411076.1, NM_025185.4); short protein forms Y457S, Y531S.
Identifiers: ClinVar variation 3369264 (VCV003369264.1).

ClinVar aggregate classification (germline): Uncertain significance (1 of 4 stars; one submission).

gnomAD v4.1: 5 of 1,613,702 alleles (0.00031%); highest among the groups gnomAD compares: Non-Finnish European, 0.00042%; no homozygotes.

Submission:

GeneDx
Classification: Uncertain significance. Last evaluated: 2024-02-24. Review status: criteria provided, single submitter. Criteria: GeneDx Variant Classification Process June 2021. Collection method: clinical testing. Allele origin: germline. Affected: yes.
Comment: Not observed at significant frequency in large population cohorts (gnomAD); In silico analysis supports that this missense variant has a deleterious effect on protein structure/function; Has not been previously published as pathogenic or benign to our knowledge